The following is an entry in ClinVar:

NM_000213.5(ITGB4):c.4967C>T (p.Ser1656Leu)

Genes: GALK1 (galactokinase 1; minus strand), ITGB4 (integrin subunit beta 4; plus strand). Cytogenetic location: 17q25.1.
Variant type: single nucleotide variant.
Coding change: c.4967C>T on transcript NM_000213.5 (MANE Select); coding-DNA position 4967, C replaced by T.
Protein change: p.Ser1656Leu; replaces serine 1656 with leucine.
Molecular consequence: missense variant. On other transcripts: intron variant (1).
Genome position (GRCh38, 1-based): chr17:75,756,773, C>T. VCF-style: chr17-75756773-C-T. GRCh37 (hg19) VCF-style: chr17-73752854-C-T.
Other names: c.4916C>T, p.Ser1639Leu (NM_001005619.2); c.4757C>T, p.Ser1586Leu (NM_001005731.3, NM_001321123.2); c.4607C>T, p.Ser1536Leu (NM_001438834.1); c.*22+1261G>A (NM_001381985.1); short protein forms S1586L, S1639L, S1656L, S1536L.
Identifiers: ClinVar variation 2574475 (VCV002574475.1), dbSNP rs370378040, ClinGen allele CA8770386.
Genomic context (GRCh38, chr17:75,756,773, plus strand): 5'-TCACTTTGAGCACTCCCAGTGCCCCAGGCCCGCTGGTGTTCACTGCCCTGAGCCCAGACT[C>T]GCTGCAGCTGAGCTGGGAGCGGCCACGGAGGCCCAATGGGGATATCGTCGGCTACCTGGT-3'
Protein context (NP_000204.3, residues 1646-1666): PLVFTALSPD[Ser1656Leu]LQLSWERPRR

ClinVar aggregate classification (germline): Uncertain significance (1 of 4 stars; one submission).

Allele frequency attached by ClinVar (database versions not stated): ESP Exome Variant Server 0.00008; ExAC 0.00003; gnomAD exomes 0.00001; gnomAD 0.00003.
gnomAD v4.1: 12 of 1,612,864 alleles (0.00074%); highest among the groups gnomAD compares: East Asian, 0.016%; no homozygotes.

Submission:

GeneDx
Classification: Uncertain significance. Last evaluated: 2023-01-27. Review status: criteria provided, single submitter. Criteria: GeneDx Variant Classification Process June 2021. Collection method: clinical testing. Allele origin: germline. Affected: yes.
Comment: In silico analysis supports that this missense variant has a deleterious effect on protein structure/function; Has not been previously published as pathogenic or benign to our knowledge